The following is an entry in ClinVar:

NM_032043.3(BRIP1):c.2255A>G (p.Lys752Arg)

Gene: BRIP1 (BRCA1 interacting DNA helicase 1; minus strand). Cytogenetic location: 17q23.2.
Variant type: single nucleotide variant.
Coding change: c.2255A>G on transcript NM_032043.3 (MANE Select); coding-DNA position 2255, A replaced by G.
Protein change: p.Lys752Arg; replaces lysine 752 with arginine.
Molecular consequence: missense variant.
Genome position (GRCh38, 1-based): chr17:61,744,434, T>C on the plus strand (A>G on the coding strand, the complement: BRIP1 is on the minus strand). VCF-style: chr17-61744434-T-C. GRCh37 (hg19) VCF-style: chr17-59821795-T-C.
Other names: short protein forms K752R.
Identifiers: ClinVar variation 232832 (VCV000232832.16), dbSNP rs876660016, ClinGen allele CA10580810.
Genomic context (GRCh38, chr17:61,744,434, plus strand): 5'-CTTCTTACTTTGTAATAAAAAATATTTTTTCACCGACCATGAAATAATTTCCAGTTACCT[T>C]TCTCTCCTTTGTATTTGATTGCGTCATAGTACACCTGCAGTAATTCATCAAAATTTGTTT-3'
Protein context (NP_114432.2, residues 742-762): YYDAIKYKGE[Lys752Arg]DGALLVAVCR

ClinVar aggregate classification (germline): Uncertain significance. Review status: criteria provided, multiple submitters, no conflicts (2 of 4 stars). 2 submissions from 2 submitters: Uncertain significance (2). Last evaluated 2019-11-10.

Conditions:
Hereditary cancer-predisposing syndrome. Also called: Hereditary Cancer Syndrome; Neoplastic Syndromes, Hereditary; Tumor predisposition; Hereditary neoplastic syndrome. Identifiers: Orphanet 140162, MedGen C0027672, MeSH D009386, MONDO:0015356.
Fanconi anemia complementation group J. Also called: BRIP1-Related Fanconi Anemia. Identifiers: Orphanet 84, MedGen C1836860, MONDO:0012187, OMIM 609054.
Familial cancer of breast. Also called: Hereditary breast cancer; hereditary breast carcinoma; BREAST CANCER, FAMILIAL. Identifiers: Orphanet 227535, MedGen C0346153, MONDO:0016419, OMIM 114480. Disease mechanism: loss of function.

Submissions (2):

Labcorp Genetics (formerly Invitae), Labcorp
Classification: Uncertain significance for Familial cancer of breast; Fanconi anemia complementation group J. Last evaluated: 2019-11-10. Review status: criteria provided, single submitter. Criteria: Invitae Variant Classification Sherloc (09022015). Collection method: clinical testing. Allele origin: germline.
Comment: This variant has not been reported in the literature in individuals with BRIP1-related conditions. ClinVar contains an entry for this variant (Variation ID: 232832). This variant is not present in population databases (ExAC no frequency). This sequence change replaces lysine with arginine at codon 752 of the BRIP1 protein (p.Lys752Arg). The lysine residue is moderately conserved and there is a small physicochemical difference between lysine and arginine. Algorithms developed to predict the effect of missense changes on protein structure and function output the following: SIFT: "Tolerated"; PolyPhen-2: "Benign"; Align-GVGD: "Class C0". The arginine amino acid residue is found in multiple mammalian species, suggesting that this missense change does not adversely affect protein function. These predictions have not been confirmed by published functional studies and their clinical significance is uncertain. In summary, the available evidence is currently insufficient to determine the role of this variant in disease. Therefore, it has been classified as a Variant of Uncertain Significance.

Ambry Genetics
Classification: Uncertain significance for Hereditary cancer-predisposing syndrome. Last evaluated: 2015-07-17. Review status: criteria provided, single submitter. Criteria: Ambry Variant Classification Scheme 2023. Collection method: clinical testing. Allele origin: germline.
Comment: The p.K752R variant (also known as c.2255A>G), located in coding exon 14 of the BRIP1 gene, results from an A to G substitution at nucleotide position 2255. The lysine at codon 752 is replaced by arginine, an amino acid with highly similar properties. This variant was not reported in population based cohorts in the following databases: Database of Single Nucleotide Polymorphisms (dbSNP), NHLBI Exome Sequencing Project (ESP), and 1000 Genomes Project. In the ESP, this variant was not observed in 6503 samples (13006 alleles) with coverage at this position. To date, this alteration has been detected with an allele frequency of approximately 0.002% (greater than 65000 alleles tested) in our clinical cohort. This amino acid position is well conserved however, arginine is the reference amino acid in several fish species. In addition, this alteration is predicted to be tolerated by in silico analysis. Since supporting evidence is limited at this time, the clinical significance of this variant remains unclear.